The following is an entry in ClinVar:

ClinVar aggregate classification (germline): Conflicting classifications of pathogenicity. Review status: criteria provided, conflicting classifications (1 of 4 stars). 2 submissions from 2 submitters: Pathogenic (1); Uncertain significance (1). Last evaluated 2025-02-19.

Submissions (2):

GeneDx
Classification: Uncertain significance. Last evaluated: 2025-02-19. Review status: criteria provided, single submitter. Criteria: GeneDx Variant Classification Process June 2021. Collection method: clinical testing. Allele origin: germline. Affected: yes.
Comment: Reported in patients with suspected skeletal dysplasias; however, detailed clinical information was not provided (PMID: 17133256, 38702915, 21965141); Not observed at significant frequency in large population cohorts (gnomAD); In silico analysis supports that this missense variant has a deleterious effect on protein structure/function; This variant is associated with the following publications: (PMID: 38702915, 24595329, 17133256, 21922596, 21965141)

Labcorp Genetics (formerly Invitae), Labcorp
Classification: Pathogenic. Last evaluated: 2023-08-04. Review status: criteria provided, single submitter. Criteria: Invitae Variant Classification Sherloc (09022015). Collection method: clinical testing. Allele origin: germline.
Comment: For these reasons, this variant has been classified as Pathogenic. This sequence change replaces cysteine, which is neutral and slightly polar, with tyrosine, which is neutral and polar, at codon 410 of the COMP protein (p.Cys410Tyr). This variant is not present in population databases (gnomAD no frequency). This missense change has been observed in individuals with epiphyseal dysplasia (PMID: 17133256, 21922596, 21965141, 24595329; Invitae). ClinVar contains an entry for this variant (Variation ID: 1383514). Advanced modeling of protein sequence and biophysical properties (such as structural, functional, and spatial information, amino acid conservation, physicochemical variation, residue mobility, and thermodynamic stability) performed at Invitae indicates that this missense variant is expected to disrupt COMP protein function.

Literature cited by the submitters: PubMed 17133256 (cited by Labcorp Genetics (formerly Invitae), Labcorp); PubMed 21922596 (cited by Labcorp Genetics (formerly Invitae), Labcorp); PubMed 21965141 (cited by Labcorp Genetics (formerly Invitae), Labcorp); PubMed 24595329 (cited by Labcorp Genetics (formerly Invitae), Labcorp).

NM_000095.3(COMP):c.1229G>A (p.Cys410Tyr)

Gene: COMP (cartilage oligomeric matrix protein; minus strand). Cytogenetic location: 19p13.11.
Variant type: single nucleotide variant.
Coding change: c.1229G>A on transcript NM_000095.3 (MANE Select); coding-DNA position 1229, G replaced by A.
Protein change: p.Cys410Tyr; replaces cysteine 410 with tyrosine.
Molecular consequence: missense variant.
Genome position (GRCh38, 1-based): chr19:18,786,557, C>T on the plus strand (G>A on the coding strand, the complement: COMP is on the minus strand). VCF-style: chr19-18786557-C-T. GRCh37 (hg19) VCF-style: chr19-18897367-C-T.
Other names: c.1229G>A (NM_000095.2); short protein forms C410Y.
Identifiers: ClinVar variation 1383514 (VCV001383514.7), dbSNP rs2145901300, ClinGen allele CA404886408.
Genomic context (GRCh38, chr19:18,786,557, plus strand): 5'-AGGGCTTACCCAGCTGGAGTCTGGCCTGCCCTCACCTGATCCGGGTTGCTCTTCTGGGGA[C>T]AGTTGTCACAGGCATCCCCTATACCATCGCCATCACTGTCCTTCTGGTCTGAGTTGGGTA-3'
Protein context (NP_000086.2, residues 400-420): GDGIGDACDN[Cys410Tyr]PQKSNPDQAD